The following is an entry in ClinVar:

ClinVar aggregate classification (germline): Uncertain significance (1 of 4 stars; one submission).

Conditions:
Cardiomyopathy (CMYO). Also called: Cardiomyopathies. Identifiers: Orphanet 167848, MedGen C0878544, MONDO:0004994, HP:0001638. Inheritance: Various modes of inheritance.

Submission:

Color Diagnostics, LLC DBA Color Health
Classification: Uncertain significance for Cardiomyopathy. Last evaluated: 2023-12-05. Review status: criteria provided, single submitter. Criteria: ACMG Guidelines, 2015. Collection method: clinical testing. Allele origin: germline.
Comment: This missense variant replaces phenylalanine with cysteine at codon 42 of the RYR2 protein. Computational prediction tools and conservation analyses suggest that this variant may have deleterious impact on the protein function. Computational splicing tools suggest that this variant may not impact RNA splicing. To our knowledge, functional assays have not been performed for this variant nor has this variant been reported in individuals affected with cardiovascular disorders in the literature. This variant has not been identified in the general population by the Genome Aggregation Database (gnomAD). Available evidence is insufficient to determine the role of this variant in disease conclusively. Therefore, this variant is classified as a Variant of Uncertain Significance.

NM_001035.3(RYR2):c.125T>G (p.Phe42Cys)

Gene: RYR2 (ryanodine receptor 2; plus strand). Cytogenetic location: 1q43.
Variant type: single nucleotide variant.
Coding change: c.125T>G on transcript NM_001035.3 (MANE Select); coding-DNA position 125, T replaced by G.
Protein change: p.Phe42Cys; replaces phenylalanine 42 with cysteine.
Molecular consequence: missense variant.
Genome position (GRCh38, 1-based): chr1:237,270,573, T>G. VCF-style: chr1-237270573-T-G. GRCh37 (hg19) VCF-style: chr1-237433873-T-G.
Other names: short protein forms F42C.
Identifiers: ClinVar variation 924796 (VCV000924796.5), dbSNP rs1689580158, ClinGen allele CA345654426.
Genomic context (GRCh38, chr1:237,270,573, plus strand): 5'-TGCAGTGCACCGCAACCATCCACAAAGAACAACAGAAGCTATGCTTGGCAGCAGAAGGAT[T>G]TGGCAACAGACTTTGTTTCTTGGAGTCCACTTCCAATTCCAAGGTGGGATGAAGTCTTTC-3'
Protein context (NP_001026.2, residues 32-52): QQKLCLAAEG[Phe42Cys]GNRLCFLEST